The following is an entry in ClinVar:

NM_006915.3(RP2):c.517A>G (p.Asn173Asp)

Gene: RP2 (RP2 activator of ARL3 GTPase; plus strand). Cytogenetic location: Xp11.3.
Variant type: single nucleotide variant.
Coding change: c.517A>G on transcript NM_006915.3 (MANE Select); coding-DNA position 517, A replaced by G.
Protein change: p.Asn173Asp; replaces asparagine 173 with aspartic acid.
Molecular consequence: missense variant.
Genome position (GRCh38, 1-based): chrX:46,853,890, A>G. VCF-style: chrX-46853890-A-G. GRCh37 (hg19) VCF-style: chrX-46713325-A-G.
Other names: short protein forms N173D.
Identifiers: ClinVar variation 1435076 (VCV001435076.6), dbSNP rs2147081420, ClinGen allele CA413040113.
Genomic context (GRCh38, chrX:46,853,890, plus strand): 5'-CCTGAATTAGCTTTCCAGTTCAAAGATGCAGGGCTAAGTATCTTCAACAATACATGGAGT[A>G]ACATTCATGACTTTACACCTGTGTCAGGAGAACTCAACTGGAGCCTTCTTCCAGAAGATG-3'
Protein context (NP_008846.2, residues 163-183): GLSIFNNTWS[Asn173Asp]IHDFTPVSGE

ClinVar aggregate classification (germline): Uncertain significance (1 of 4 stars; one submission).

Submission:

Labcorp Genetics (formerly Invitae), Labcorp
Classification: Uncertain significance. Last evaluated: 2021-11-12. Review status: criteria provided, single submitter. Criteria: Invitae Variant Classification Sherloc (09022015). Collection method: clinical testing. Allele origin: germline.
Comment: In summary, the available evidence is currently insufficient to determine the role of this variant in disease. Therefore, it has been classified as a Variant of Uncertain Significance. Algorithms developed to predict the effect of missense changes on protein structure and function (SIFT, PolyPhen-2, Align-GVGD) all suggest that this variant is likely to be tolerated. This variant has not been reported in the literature in individuals affected with RP2-related conditions. This variant is not present in population databases (gnomAD no frequency). This sequence change replaces asparagine, which is neutral and polar, with aspartic acid, which is acidic and polar, at codon 173 of the RP2 protein (p.Asn173Asp).